The following is an entry in ClinVar:

NM_016343.4(CENPF):c.4637C>T (p.Ala1546Val)

Gene: CENPF (centromere protein F; plus strand). Cytogenetic location: 1q41.
Variant type: single nucleotide variant.
Coding change: c.4637C>T on transcript NM_016343.4 (MANE Select); coding-DNA position 4637, C replaced by T.
Protein change: p.Ala1546Val; replaces alanine 1546 with valine.
Molecular consequence: missense variant.
Genome position (GRCh38, 1-based): chr1:214,642,975, C>T. VCF-style: chr1-214642975-C-T. GRCh37 (hg19) VCF-style: chr1-214816318-C-T.
Other names: short protein forms A1546V.
Identifiers: ClinVar variation 4753740 (VCV004753740.1).

ClinVar aggregate classification (germline): Uncertain significance (1 of 4 stars; one submission).

gnomAD v4.1: 40 of 1,611,800 alleles (0.0025%); highest among the groups gnomAD compares: African/African-American, 0.0027%; no homozygotes.

Submission:

Labcorp Genetics (formerly Invitae), Labcorp
Classification: Uncertain significance. Last evaluated: 2025-09-23. Review status: criteria provided, single submitter. Criteria: Invitae Variant Classification Sherloc (09022015). Collection method: clinical testing. Allele origin: germline.
Comment: This sequence change replaces alanine, which is neutral and non-polar, with valine, which is neutral and non-polar, at codon 1546 of the CENPF protein (p.Ala1546Val). The frequency data for this variant in the population databases is considered unreliable, as metrics indicate poor data quality at this position in the gnomAD database. This variant has not been reported in the literature in individuals affected with CENPF-related conditions. An algorithm developed to predict the effect of missense changes on protein structure and function outputs the following: PolyPhen-2: "Benign". The valine amino acid residue is found in multiple mammalian species, which suggests that this missense change does not adversely affect protein function. In summary, the available evidence is currently insufficient to determine the role of this variant in disease. Therefore, it has been classified as a Variant of Uncertain Significance.